The following is an entry in ClinVar:

ClinVar aggregate classification (germline): Likely benign. Review status: criteria provided, multiple submitters, no conflicts (2 of 4 stars). 2 submissions from 2 submitters: Likely benign (2). Last evaluated 2025-02-27.

Conditions:
Multiple endocrine neoplasia type 2A. Also called: MULTIPLE ENDOCRINE NEOPLASIA, TYPE IIA; PTC SYNDROME; SIPPLE SYNDROME; MEN 2A; MEN-2A syndrome; Pheochromocytoma and amyloid producing medullary thyroid carcinoma. Identifiers: Orphanet 247698, Orphanet 653, MedGen C0025268, MeSH D018813, MONDO:0008234, OMIM 171400.

Submissions (2):

Myriad Genetics, Inc.
Classification: Likely benign for Multiple endocrine neoplasia type 2A. Last evaluated: 2025-02-27. Review status: criteria provided, single submitter. Criteria: Myriad Autosomal Dominant, Autosomal Recessive and X-Linked Classification Criteria (2023). Collection method: clinical testing. Allele origin: unknown.
Comment: This variant is considered likely benign. This variant is intronic and is not expected to impact mRNA splicing.

Blueprint Genetics
Classification: Likely benign. Last evaluated: 2020-06-12. Review status: criteria provided, single submitter. Criteria: ACMG Guidelines, 2015. Collection method: clinical testing. Allele origin: germline.

NM_020975.6(RET):c.2731-9T>C

Gene: RET (ret proto-oncogene; plus strand). Cytogenetic location: 10q11.21.
Variant type: single nucleotide variant.
Coding change: c.2731-9T>C on transcript NM_020975.6 (MANE Select); 9 bases into the intron before coding-DNA position 2731, T replaced by C.
Molecular consequence: intron variant.
Genome position (GRCh38, 1-based): chr10:43,121,937, T>C. VCF-style: chr10-43121937-T-C. GRCh37 (hg19) VCF-style: chr10-43617385-T-C.
Other names: c.1546-9T>C (NM_001406788.1, NM_001406789.1, NM_001406790.1); c.1426-9T>C (NM_001406791.1); c.1741-9T>C (NM_001406784.1); c.1282-9T>C (NM_001406794.1, NM_001406792.1, NM_001406793.1); c.1969-9T>C (NM_001355216.2); c.2731-9T>C (NM_020630.7, NM_001406743.1, NM_001406744.1 and 2 more transcripts); c.2596-9T>C (NM_001406765.1, NM_001406763.1); c.2335-9T>C (NM_001406772.1, NM_001406769.1); and 10 more.
Identifiers: ClinVar variation 3904581 (VCV003904581.2).